The following is an entry in ClinVar:

ClinVar aggregate classification (germline): Uncertain significance (1 of 4 stars; one submission).

Conditions:
Autosomal dominant nonsyndromic hearing loss 20. Identifiers: Orphanet 90635, MedGen C1858172, MONDO:0011480, OMIM 604717.
Baraitser-winter syndrome 2. Identifiers: Orphanet 2995, MedGen C3281235, MONDO:0013812, OMIM 614583.

Submission:

Labcorp Genetics (formerly Invitae), Labcorp
Classification: Uncertain significance for Baraitser-winter syndrome 2; Autosomal dominant nonsyndromic hearing loss 20. Last evaluated: 2025-11-25. Review status: criteria provided, single submitter. Criteria: Invitae Variant Classification Sherloc (09022015). Collection method: clinical testing. Allele origin: germline.
Comment: This sequence change falls in intron 3 of the ACTG1 gene. It does not directly change the encoded amino acid sequence of the ACTG1 protein. Information on the frequency of this variant in the gnomAD database is not available, as this variant may be reported differently in the database. This variant has not been reported in the literature in individuals affected with ACTG1-related conditions. Experimental studies and prediction algorithms are not available or were not evaluated, and the effect of this variant on mRNA splicing is currently unknown. In summary, the available evidence is currently insufficient to determine the role of this variant in disease. Therefore, it has been classified as a Variant of Uncertain Significance.

NM_001614.5(ACTG1):c.363+12_363+13delinsGA

Gene: ACTG1 (actin gamma 1; minus strand). Cytogenetic location: 17q25.3.
Variant type: Indel.
Coding change: c.363+12_363+13delinsGA on transcript NM_001614.5 (MANE Select); bases 12 to 13 of the intron after coding-DNA position 363, CC replaced by GA.
Molecular consequence: intron variant.
Genome position (GRCh38, 1-based): chr17:81,511,890-81,511,891, GG replaced by TC on the plus strand (CC replaced by GA on the coding strand, the reverse complement: ACTG1 is on the minus strand). VCF-style: chr17-81511890-GG-TC. GRCh37 (hg19) VCF-style: chr17-79478916-GG-TC.
Other names: c.363+12_363+13delinsGA (NM_001199954.3).
Identifiers: ClinVar variation 4783000 (VCV004783000.1).
Genomic context (GRCh38, chr17:81,511,890, plus strand): 5'-TGTCAGAAATCAAGCCGGGCAGAAAATGACTGGGGAAAGGACGGGAGGAGCACGGGCGTC[GG>TC]CCGAGCCTCACCTGAGTCATCTTCTCTCTGTTGGCCTTGGGGTTCAGGGGGGCCTCGGTC-3'